The following is an entry in ClinVar:

ClinVar aggregate classification (germline): Uncertain significance (1 of 4 stars; one submission).

Submission:

GeneDx
Classification: Uncertain significance. Last evaluated: 2020-01-14. Review status: criteria provided, single submitter. Criteria: GeneDx Variant Classification Process June 2021. Collection method: clinical testing. Allele origin: germline. Affected: yes.
Comment: Not observed in large population cohorts (Lek et al., 2016); In silico analysis, which includes protein predictors and evolutionary conservation, supports a deleterious effect; Has not been previously published as pathogenic or benign to our knowledge

NM_001372066.1(TFAP2A):c.598G>A (p.Asp200Asn)

Genes: TFAP2A (transcription factor AP-2 alpha; minus strand), TFAP2A-AS2 (TFAP2A antisense RNA 2; plus strand), LOC121740638 (BRD4-independent group 4 enhancer GRCh37_chr6:10403277-10404476; plus strand). Cytogenetic location: 6p24.3.
Variant type: single nucleotide variant.
Coding change: c.598G>A on transcript NM_001372066.1 (MANE Select); coding-DNA position 598, G replaced by A.
Protein change: p.Asp200Asn; replaces aspartic acid 200 with asparagine.
Molecular consequence: missense variant. On other transcripts: non-coding transcript variant (1).
Genome position (GRCh38, 1-based): chr6:10,404,680, C>T on the plus strand (G>A on the coding strand, the complement: TFAP2A is on the minus strand). VCF-style: chr6-10404680-C-T. GRCh37 (hg19) VCF-style: chr6-10404913-C-T.
Other names: NM_003220.2:c.592G>A; c.574G>A, p.Asp192Asn (NM_001032280.3); c.580G>A, p.Asp194Asn (NM_001042425.3); short protein forms D192N, D194N, D200N.
Identifiers: ClinVar variation 1311911 (VCV001311911.2), dbSNP rs2114014809, ClinGen allele CA362701724.